The following is an entry in ClinVar:

NM_005802.5(TOPORS):c.2655_2657del (p.Lys888del)

Gene: TOPORS (TOP1 binding arginine/serine rich protein, E3 ubiquitin ligase; minus strand). Cytogenetic location: 9p21.1.
Variant type: Deletion.
Coding change: c.2655_2657del on transcript NM_005802.5 (MANE Select); coding-DNA positions 2655 to 2657, 3 bases deleted (AAA; older notation c.2655_2657delAAA).
Protein change: p.Lys888del; deletes lysine 888.
Molecular consequence: inframe deletion.
Genome position (GRCh38, 1-based): chr9:32,541,868-32,541,870, TTT deleted on the plus strand (AAA on the coding strand, the reverse complement: TOPORS is on the minus strand); deleting any 3 consecutive bases within chr9:32,541,868-32,541,872 gives the same sequence; the c. name uses the placement nearest the transcript's 3' end. VCF-style (leftmost placement, unchanged base first): chr9-32541867-CTTT-C. GRCh37 (hg19) VCF-style: chr9-32541865-CTTT-C.
Other names: c.2460_2462del, p.Lys823del (NM_001195622.2); short protein forms K823del, K888del.
Identifiers: ClinVar variation 2102904 (VCV002102904.4), dbSNP rs2489445843, ClinGen allele CA2579321169.

ClinVar aggregate classification (germline): Uncertain significance (1 of 4 stars; one submission).

Submission:

Labcorp Genetics (formerly Invitae), Labcorp
Classification: Uncertain significance. Last evaluated: 2024-01-06. Review status: criteria provided, single submitter. Criteria: Invitae Variant Classification Sherloc (09022015). Collection method: clinical testing. Allele origin: germline.
Comment: This variant, c.2655_2657del, results in the deletion of 1 amino acid(s) of the TOPORS protein (p.Lys888del), but otherwise preserves the integrity of the reading frame. This variant is not present in population databases (gnomAD no frequency). This variant has not been reported in the literature in individuals affected with TOPORS-related conditions. ClinVar contains an entry for this variant (Variation ID: 2102904). Experimental studies and prediction algorithms are not available or were not evaluated, and the functional significance of this variant is currently unknown. In summary, the available evidence is currently insufficient to determine the role of this variant in disease. Therefore, it has been classified as a Variant of Uncertain Significance.